The following is an entry in ClinVar:

ClinVar aggregate classification (germline): Uncertain significance (1 of 4 stars; one submission).

Conditions:
CPE-related disorder. Also called: CPE-related condition.

gnomAD v4.1: 1 of 1,614,134 alleles (0.000062%); no homozygotes.

Submission:

PreventionGenetics, part of Exact Sciences
Classification: Uncertain significance for CPE-related condition. Last evaluated: 2026-08-11. Review status: criteria provided, single submitter. Criteria: ACMG Guidelines, 2015. Collection method: clinical testing. Allele origin: germline.
Comment: The CPE c.884C>G variant is predicted to result in the amino acid substitution p.Pro295Arg. To our knowledge, this variant has not been reported in the literature or in a large population database (gnomAD), indicating this variant is rare. At this time, the clinical significance of this variant is uncertain due to the absence of conclusive functional and genetic evidence.

NM_001873.4(CPE):c.884C>G (p.Pro295Arg)

Gene: CPE (carboxypeptidase E; plus strand). Cytogenetic location: 4q32.3.
Variant type: single nucleotide variant.
Coding change: c.884C>G on transcript NM_001873.4 (MANE Select); coding-DNA position 884, C replaced by G.
Protein change: p.Pro295Arg; replaces proline 295 with arginine.
Molecular consequence: missense variant.
Genome position (GRCh38, 1-based): chr4:165,484,515, C>G. VCF-style: chr4-165484515-C-G. GRCh37 (hg19) VCF-style: chr4-166405667-C-G.
Other names: short protein forms P295R.
Identifiers: ClinVar variation 4985998 (VCV004985998.1).